The following is an entry in ClinVar:

NM_006514.4(SCN10A):c.1633C>T (p.Gln545Ter)

Gene: SCN10A (sodium voltage-gated channel alpha subunit 10; minus strand). Cytogenetic location: 3p22.2.
Variant type: single nucleotide variant.
Coding change: c.1633C>T on transcript NM_006514.4 (MANE Select); coding-DNA position 1633, C replaced by T.
Protein change: p.Gln545Ter; replaces glutamine 545 with a stop codon.
Molecular consequence: nonsense. On other transcripts: intron variant (1).
Genome position (GRCh38, 1-based): chr3:38,752,341, G>A on the plus strand (C>T on the coding strand, the complement: SCN10A is on the minus strand). VCF-style: chr3-38752341-G-A. GRCh37 (hg19) VCF-style: chr3-38793832-G-A.
Other names: c.1633C>T, p.Gln545Ter (NM_001293306.2); c.1462-2157C>T (NM_001293307.2); short protein forms Q545*.
Identifiers: ClinVar variation 3730915 (VCV003730915.1).

ClinVar aggregate classification (germline): Uncertain significance (1 of 4 stars; one submission).

Submission:

GeneDx
Classification: Uncertain significance. Last evaluated: 2024-08-13. Review status: criteria provided, single submitter. Criteria: GeneDx Variant Classification Process June 2021. Collection method: clinical testing. Allele origin: germline. Affected: yes.
Comment: Has not been previously published as pathogenic or benign to our knowledge; Not observed at significant frequency in large population cohorts (gnomAD); Nonsense variant predicted to result in protein truncation or nonsense mediated decay in a gene or region of a gene for which loss of function is not a well-established mechanism of disease